The following is an entry in ClinVar:

NM_000155.4(GALT):c.761dup (p.Leu255fs)

Gene: GALT (galactose-1-phosphate uridylyltransferase; plus strand). Cytogenetic location: 9p13.3.
Variant type: Duplication.
Coding change: c.761dup on transcript NM_000155.4 (MANE Select); coding-DNA position 761, one base duplicated (T; older notation c.761dupT).
Protein change: p.Leu255fs; shifts the reading frame from leucine 255.
Molecular consequence: frameshift variant.
Genome position (GRCh38, 1-based): chr9:34,648,835, T duplicated. VCF-style (leftmost placement, unchanged base first): chr9-34648834-C-CT. GRCh37 (hg19) VCF-style: chr9-34648831-C-CT.
Other names: p.Leu255Alafs*12; c.434dup, p.Leu146fs (NM_001258332.2); short protein forms L255fs, L146fs.
Identifiers: ClinVar variation 371396 (VCV000371396.16), dbSNP rs747036550, ClinGen allele CA5036205.

ClinVar aggregate classification (germline): Pathogenic/Likely pathogenic. Review status: criteria provided, multiple submitters, no conflicts (2 of 4 stars). 7 submissions from 7 submitters: Pathogenic (3); Likely pathogenic (3). 1 of the submissions does not count toward it. Last evaluated 2025-08-19.

Conditions:
Deficiency of UDPglucose-hexose-1-phosphate uridylyltransferase. Also called: GALACTOSEMIA I; GALACTOSE-1-PHOSPHATE URIDYLYLTRANSFERASE DEFICIENCY; Transferase Deficiency Galactosemia; GALT deficiency; Galactosemia, classic. Identifiers: Orphanet 352, Orphanet 79239, MedGen C0268151, MONDO:0009258, OMIM 230400.
Galactosemia. Also called: Galactose intolerance. Identifiers: Orphanet 352, MedGen C0016952, MONDO:0018116, HP:0004919. Disease mechanism: loss of function.

Allele frequency attached by ClinVar (database versions not stated): gnomAD exomes below 0.00001; ExAC 0.00001.

Submissions (7):

Natera, Inc.
Classification: Likely pathogenic for Galactosemia. Last evaluated: 2025-08-19. Review status: criteria provided, single submitter. Criteria: Natera Variant Classification Schema (03/2026). Collection method: clinical testing. Allele origin: germline.
Comment: The c.761dupT variant in GALT is a frameshift variant predicted to shift the reading frame beginning at codon 255 and leads to a stop codon 12 codons downstream. This variant is expected to result in nonsense mediated decay, truncation, or a dysfunctional protein product. This variant is rare in the general population with a frequency below the threshold expected for the associated phenotype(s). Given the available evidence, this variant is classified as Likely Pathogenic.

Fulgent Genetics
Classification: Likely pathogenic for Deficiency of UDPglucose-hexose-1-phosphate uridylyltransferase. Last evaluated: 2024-03-29. Review status: criteria provided, single submitter. Criteria: ACMG Guidelines, 2015. Collection method: clinical testing. Allele origin: germline.

Labcorp Genetics (formerly Invitae), Labcorp
Classification: Pathogenic for Deficiency of UDPglucose-hexose-1-phosphate uridylyltransferase. Last evaluated: 2023-08-30. Review status: criteria provided, single submitter. Criteria: Invitae Variant Classification Sherloc (09022015). Collection method: clinical testing. Allele origin: germline.
Comment: This variant is present in population databases (rs747036550, gnomAD 0.003%). This sequence change creates a premature translational stop signal (p.Leu255Alafs*12) in the GALT gene. It is expected to result in an absent or disrupted protein product. Loss-of-function variants in GALT are known to be pathogenic (PMID: 22944367). This variant has not been reported in the literature in individuals affected with GALT-related conditions. ClinVar contains an entry for this variant (Variation ID: 371396). For these reasons, this variant has been classified as Pathogenic.

Mayo Clinic Laboratories, Mayo Clinic
Classification: Pathogenic. Last evaluated: 2022-07-27. Review status: criteria provided, single submitter. Criteria: ACMG Guidelines, 2015. Collection method: clinical testing. Allele origin: germline. Observed: 1 variant allele.
Comment: PM2, PS3, PVS1

ARUP Laboratories, Molecular Genetics and Genomics, ARUP Laboratories
Classification: Pathogenic for Deficiency of UDPglucose-hexose-1-phosphate uridylyltransferase. Last evaluated: 2022-01-31. Review status: criteria provided, single submitter. Criteria: ARUP Molecular Germline Variant Investigation Process 2021. Collection method: clinical testing. Allele origin: germline.
Comment: The GALT c.761dupT; p.Leu255AlafsTer12variant (rs747036550), to our knowledge, is not reported in the medical literature but is reported in ClinVar (Variation ID: 371396). This variant is also absent from the Genome Aggregation Database, indicating it is not a common polymorphism. This variant causes a frameshift by inserting a single nucleotide, so it is predicted to result in a truncated protein or mRNA subject to nonsense-mediated decay. Additionally, several downstream truncating variants have been described in individuals with galactosemia and are considered pathogenic (Boutron 2012, Tyfield 1999). Based on available information, this variant is considered to be pathogenic. References: Boutron A et al. Mutation spectrum in the French cohort of galactosemic patients and structural simulation of 27 novel missense variations. Mol Genet Metab. 2012 Nov;107(3):438-47. PMID: 22944367. Tyfield L et al. Classical galactosemia and mutations at the galactose-1-phosphate uridyl transferase (GALT) gene. Hum Mutat. 1999;13(6):417-30. PMID: 10408771.

Women's Health and Genetics/Laboratory Corporation of America, LabCorp
Classification: Likely pathogenic for Deficiency of UDPglucose-hexose-1-phosphate uridylyltransferase. Last evaluated: 2018-08-06. Review status: criteria provided, single submitter. Criteria: LabCorp Variant Classification Summary - May 2015. Collection method: clinical testing. Allele origin: germline.
Comment: Variant summary: GALT c.761dupT (p.Leu255AlafsX12) results in a premature termination codon, predicted to cause a truncation of the encoded protein or absence of the protein due to nonsense mediated decay, which are commonly known mechanisms for disease. A truncation downstream of this position have been classified as pathogenic by our laboratory (c.947G>A (p.Trp316X)). The variant allele was found at a frequency of 4.1e-06 in 245764 control chromosomes (gnomAD). To our knowledge, no occurrence of c.761dupT in individuals affected with Galactosemia and no experimental evidence demonstrating its impact on protein function have been reported. One clinical diagnostic laboratory has submitted clinical-significance assessments for this variant to ClinVar after 2014 without evidence for independent evaluation, and classified the variant as likely pathogenic. Based on the evidence outlined above, the variant was classified as likely pathogenic.

Counsyl
Classification: Likely pathogenic for Deficiency of UDPglucose-hexose-1-phosphate uridylyltransferase. Last evaluated: 2016-09-13. Review status: no assertion criteria provided. Collection method: clinical testing. Allele origin: unknown. Not counted in ClinVar's aggregate classification.

Literature cited by the submitters: PubMed 22944367 (cited by Labcorp Genetics (formerly Invitae), Labcorp).